The following is an entry in ClinVar:

NM_013322.3(SNX10):c.194A>G (p.Gln65Arg)

Gene: SNX10 (sorting nexin 10; plus strand). Cytogenetic location: 7p15.2.
Variant type: single nucleotide variant.
Coding change: c.194A>G on transcript NM_013322.3 (MANE Select); coding-DNA position 194, A replaced by G.
Protein change: p.Gln65Arg; replaces glutamine 65 with arginine.
Molecular consequence: missense variant. On other transcripts: intron variant (1).
Genome position (GRCh38, 1-based): chr7:26,364,617, A>G. VCF-style: chr7-26364617-A-G. GRCh37 (hg19) VCF-style: chr7-26404237-A-G.
Other names: c.194A>G, p.Gln65Arg (NM_001199835.1, NM_001318199.3); c.185A>G, p.Gln62Arg (NM_001199837.3); c.272A>G, p.Gln91Arg (NM_001318198.1, NM_001362753.1, NM_001362754.1); c.-41+115A>G (NM_001199838.2); short protein forms Q62R, Q91R, Q65R.
Identifiers: ClinVar variation 1369116 (VCV001369116.7), dbSNP rs1476042289, ClinGen allele CA367228198.

ClinVar aggregate classification (germline): Uncertain significance (1 of 4 stars; one submission).

Allele frequency attached by ClinVar (database versions not stated): gnomAD exomes below 0.00001; TOPMed 0.00002; gnomAD 0.00003 and 0.00004.
gnomAD v4.1: 8 of 1,612,848 alleles (0.0005%); highest among the groups gnomAD compares: African/African-American, 0.0013%; no homozygotes.

Submission:

Labcorp Genetics (formerly Invitae), Labcorp
Classification: Uncertain significance. Last evaluated: 2021-07-22. Review status: criteria provided, single submitter. Criteria: Invitae Variant Classification Sherloc (09022015). Collection method: clinical testing. Allele origin: germline.
Comment: This variant is not present in population databases (ExAC no frequency). This sequence change replaces glutamine with arginine at codon 65 of the SNX10 protein (p.Gln65Arg). The glutamine residue is moderately conserved and there is a small physicochemical difference between glutamine and arginine. This variant has not been reported in the literature in individuals affected with SNX10-related conditions. Algorithms developed to predict the effect of missense changes on protein structure and function (SIFT, PolyPhen-2, Align-GVGD) all suggest that this variant is likely to be tolerated. In summary, the available evidence is currently insufficient to determine the role of this variant in disease. Therefore, it has been classified as a Variant of Uncertain Significance.